The following is an entry in ClinVar:

NM_001370658.1(BTD):c.-38G>A

Gene: BTD (biotinidase; plus strand). Cytogenetic location: 3p25.1.
Variant type: single nucleotide variant.
Coding change: c.-38G>A on transcript NM_001370658.1 (MANE Select); 38 bases upstream of the start codon, G replaced by A.
Molecular consequence: 5 prime UTR variant. On other transcripts: non-coding transcript variant (1), intron variant (4), missense variant (1).
Genome position (GRCh38, 1-based): chr3:15,601,873, G>A. VCF-style: chr3-15601873-G-A. GRCh37 (hg19) VCF-style: chr3-15643380-G-A.
Other names: c.-226G>A (NM_001281724.3); c.-38G>A (NM_001281726.3, NM_001370752.1, NM_001370753.1 and 3 more transcripts); c.-314G>A (NM_001323582.2, NM_001407384.1); c.-603G>A (NM_001407366.1); c.-589G>A (NM_001407369.1); c.-195G>A (NM_001407372.1); c.-157G>A (NM_001407373.1); c.-212G>A (NM_001407374.1, NM_001407390.1); and 7 more; short protein forms G8D.
Identifiers: ClinVar variation 946958 (VCV000946958.10), dbSNP rs138473616, ClinGen allele CA2277180.

ClinVar aggregate classification (germline): Uncertain significance. Review status: criteria provided, single submitter (1 of 4 stars). 2 submissions from 2 submitters: Uncertain significance (1). 1 of the submissions does not count toward it. Last evaluated 2022-05-04.

Conditions:
Biotinidase deficiency. Also called: BTD deficiency; Late-onset biotin-responsive multiple carboxylase deficiency; Biotin deficiency. Identifiers: Orphanet 79241, MedGen C0220754, MONDO:0009665, OMIM 253260.

Allele frequency attached by ClinVar (database versions not stated): ExAC 0.00004; gnomAD 0.00004; gnomAD exomes 0.00004 and 0.00005; TOPMed 0.00009; ESP Exome Variant Server 0.00015.
gnomAD v4.1: 81 of 1,614,038 alleles (0.005%); highest among the groups gnomAD compares: Non-Finnish European, 0.0066%; no homozygotes.

Submissions (2):

Labcorp Genetics (formerly Invitae), Labcorp
Classification: Uncertain significance for Biotinidase deficiency. Last evaluated: 2022-05-04. Review status: criteria provided, single submitter. Criteria: Invitae Variant Classification Sherloc (09022015). Collection method: clinical testing. Allele origin: germline.
Comment: This sequence change replaces glycine, which is neutral and non-polar, with aspartic acid, which is acidic and polar, at codon 8 of the BTD protein (p.Gly8Asp). This variant is present in population databases (rs138473616, gnomAD 0.006%). This variant has not been reported in the literature in individuals affected with BTD-related conditions. ClinVar contains an entry for this variant (Variation ID: 946958). Algorithms developed to predict the effect of missense changes on protein structure and function are either unavailable or do not agree on the potential impact of this missense change (SIFT: "Deleterious"; PolyPhen-2: "Benign"; Align-GVGD: "Class C0"). Algorithms developed to predict the effect of sequence changes on RNA splicing suggest that this variant may disrupt the consensus splice site. In summary, the available evidence is currently insufficient to determine the role of this variant in disease. Therefore, it has been classified as a Variant of Uncertain Significance.

Natera, Inc.
Classification: Uncertain significance for Biotinidase deficiency. Last evaluated: 2020-03-12. Review status: no assertion criteria provided. Collection method: clinical testing. Allele origin: germline. Not counted in ClinVar's aggregate classification.